The following is an entry in ClinVar:

ClinVar aggregate classification (germline): Uncertain significance (1 of 4 stars; one submission).

Allele frequency attached by ClinVar (database versions not stated): ExAC 0.00004; TOPMed 0.00005; gnomAD 0.00007; ESP Exome Variant Server 0.00008.
gnomAD v4.1: 135 of 1,581,030 alleles (0.0085%); highest among the groups gnomAD compares: Non-Finnish European, 0.011%; no homozygotes.

Submission:

Labcorp Genetics (formerly Invitae), Labcorp
Classification: Uncertain significance. Last evaluated: 2022-08-23. Review status: criteria provided, single submitter. Criteria: Invitae Variant Classification Sherloc (09022015). Collection method: clinical testing. Allele origin: germline.
Comment: This sequence change replaces glycine, which is neutral and non-polar, with arginine, which is basic and polar, at codon 2996 of the LAMA5 protein (p.Gly2996Arg). This variant is present in population databases (rs141409254, gnomAD 0.01%). In summary, the available evidence is currently insufficient to determine the role of this variant in disease. Therefore, it has been classified as a Variant of Uncertain Significance. Algorithms developed to predict the effect of missense changes on protein structure and function are either unavailable or do not agree on the potential impact of this missense change (SIFT: "Deleterious"; PolyPhen-2: "Benign"; Align-GVGD: "Class C0"). This variant has not been reported in the literature in individuals affected with LAMA5-related conditions.

NM_005560.6(LAMA5):c.8986G>C (p.Gly2996Arg)

Gene: LAMA5 (laminin subunit alpha 5; minus strand). Cytogenetic location: 20q13.33.
Variant type: single nucleotide variant.
Coding change: c.8986G>C on transcript NM_005560.6 (MANE Select); coding-DNA position 8986, G replaced by C.
Protein change: p.Gly2996Arg; replaces glycine 2996 with arginine.
Molecular consequence: missense variant.
Genome position (GRCh38, 1-based): chr20:62,312,980, C>G on the plus strand (G>C on the coding strand, the complement: LAMA5 is on the minus strand). VCF-style: chr20-62312980-C-G. GRCh37 (hg19) VCF-style: chr20-60888036-C-G.
Other names: short protein forms G2996R.
Identifiers: ClinVar variation 2178037 (VCV002178037.3), dbSNP rs141409254, ClinGen allele CA9940469.
Genomic context (GRCh38, chr20:62,312,980, plus strand): 5'-GCTGCAGTGGGACGGCCTTTTTCAGGCCAGCCCCAAAGTCATACAACAGCACGAGGCTGC[C>G]TTCTTGCACGGCCAAGCACAGGAACTGGCTCTGCAGAAACAGGGCAGGGTTAGTGTGGGG-3'
Protein context (NP_005551.3, residues 2986-3006): SQFLCLAVQE[Gly2996Arg]SLVLLYDFGA